The following is an entry in ClinVar:

NM_001042492.3(NF1):c.1601C>G (p.Pro534Arg)

Gene: NF1 (neurofibromin 1; plus strand). Cytogenetic location: 17q11.2.
Variant type: single nucleotide variant.
Coding change: c.1601C>G on transcript NM_001042492.3 (MANE Select); coding-DNA position 1601, C replaced by G.
Protein change: p.Pro534Arg; replaces proline 534 with arginine.
Molecular consequence: missense variant.
Genome position (GRCh38, 1-based): chr17:31,219,078, C>G. VCF-style: chr17-31219078-C-G. GRCh37 (hg19) VCF-style: chr17-29546096-C-G.
Other names: c.1601C>G, p.Pro534Arg (NM_000267.4, NM_001128147.3); short protein forms P534R.
Identifiers: ClinVar variation 2177330 (VCV002177330.5), dbSNP rs2143986781, ClinGen allele CA399001967.
Genomic context (GRCh38, chr17:31,219,078, plus strand): 5'-AGGGGCCCGAAACCCAAGGCAGTACAGCAGAATTAATTACAGGGCTCGTCCAACTGGTCC[C>G]TCAGTCACACATGCCAGAGATTGCTCAGGAAGCAATGGAGGTAAGGGGAAAATGAATTCC-3'
Protein context (NP_001035957.1, residues 524-544): ELITGLVQLV[Pro534Arg]QSHMPEIAQE

ClinVar aggregate classification (germline): Uncertain significance. Review status: criteria provided, multiple submitters, no conflicts (2 of 4 stars). 2 submissions from 2 submitters: Uncertain significance (2). Last evaluated 2023-05-16.

Conditions:
Cardiovascular phenotype. Identifiers: MedGen CN230736.
Hereditary cancer-predisposing syndrome. Also called: Neoplastic Syndromes, Hereditary; Tumor predisposition; Hereditary Cancer Syndrome; Hereditary neoplastic syndrome. Identifiers: Orphanet 140162, MedGen C0027672, MeSH D009386, MONDO:0015356.
Neurofibromatosis, type 1 (NF1). Also called: VON RECKLINGHAUSEN DISEASE; NEUROFIBROMATOSIS, TYPE I, SOMATIC; Neurofibromatosis, type I; Peripheral type neurofibromatosis. Identifiers: Orphanet 636, MedGen C0027831, MONDO:0018975, OMIM 162200. Disease mechanism: loss of function.

Submissions (2):

Ambry Genetics
Classification: Uncertain significance for Cardiovascular phenotype; Hereditary cancer-predisposing syndrome. Last evaluated: 2023-05-16. Review status: criteria provided, single submitter. Criteria: Ambry Variant Classification Scheme 2023. Collection method: clinical testing. Allele origin: germline.
Comment: The p.P534R variant (also known as c.1601C>G), located in coding exon 14 of the NF1 gene, results from a C to G substitution at nucleotide position 1601. The proline at codon 534 is replaced by arginine, an amino acid with dissimilar properties. This amino acid position is highly conserved in available vertebrate species. In addition, the in silico prediction for this alteration is inconclusive. Since supporting evidence is limited at this time, the clinical significance of this alteration remains unclear.

Labcorp Genetics (formerly Invitae), Labcorp
Classification: Uncertain significance for Neurofibromatosis, type 1. Last evaluated: 2022-07-05. Review status: criteria provided, single submitter. Criteria: Invitae Variant Classification Sherloc (09022015). Collection method: clinical testing. Allele origin: germline.
Comment: This sequence change replaces proline, which is neutral and non-polar, with arginine, which is basic and polar, at codon 534 of the NF1 protein (p.Pro534Arg). This variant is not present in population databases (gnomAD no frequency). This variant has not been reported in the literature in individuals affected with NF1-related conditions. In summary, the available evidence is currently insufficient to determine the role of this variant in disease. Therefore, it has been classified as a Variant of Uncertain Significance. Advanced modeling of protein sequence and biophysical properties (such as structural, functional, and spatial information, amino acid conservation, physicochemical variation, residue mobility, and thermodynamic stability) performed at Invitae indicates that this missense variant is expected to disrupt NF1 protein function.